The following is an entry in ClinVar:

NM_020949.3(SLC7A14):c.245T>C (p.Met82Thr)

Genes: SLC7A14 (solute carrier family 7 member 14; minus strand), SLC7A14-AS1 (SLC7A14 antisense RNA 1; plus strand). Cytogenetic location: 3q26.2.
Variant type: single nucleotide variant.
Coding change: c.245T>C on transcript NM_020949.3 (MANE Select); coding-DNA position 245, T replaced by C.
Protein change: p.Met82Thr; replaces methionine 82 with threonine.
Molecular consequence: missense variant.
Genome position (GRCh38, 1-based): chr3:170,526,692, A>G on the plus strand (T>C on the coding strand, the complement: SLC7A14 is on the minus strand). VCF-style: chr3-170526692-A-G. GRCh37 (hg19) VCF-style: chr3-170244481-A-G.
Other names: c.245T>C (NM_020949.2); short protein forms M82T.
Identifiers: ClinVar variation 1920171 (VCV001920171.6), dbSNP rs1713515967, ClinGen allele CA355519927.

ClinVar aggregate classification (germline): Uncertain significance. Review status: criteria provided, multiple submitters, no conflicts (2 of 4 stars). 2 submissions from 2 submitters: Uncertain significance (2). Last evaluated 2025-08-22.

Allele frequency attached by ClinVar (database versions not stated): gnomAD exomes below 0.00001; TOPMed below 0.00001.

Submissions (2):

Ambry Genetics
Classification: Uncertain significance. Last evaluated: 2025-08-22. Review status: criteria provided, single submitter. Criteria: Ambry Variant Classification Scheme 2023. Collection method: clinical testing. Allele origin: germline.

Labcorp Genetics (formerly Invitae), Labcorp
Classification: Uncertain significance. Last evaluated: 2025-02-10. Review status: criteria provided, single submitter. Criteria: Invitae Variant Classification Sherloc (09022015). Collection method: clinical testing. Allele origin: germline.
Comment: This sequence change replaces methionine, which is neutral and non-polar, with threonine, which is neutral and polar, at codon 82 of the SLC7A14 protein (p.Met82Thr). This variant is not present in population databases (gnomAD no frequency). This variant has not been reported in the literature in individuals affected with SLC7A14-related conditions. ClinVar contains an entry for this variant (Variation ID: 1920171). An algorithm developed to predict the effect of missense changes on protein structure and function (PolyPhen-2) suggests that this variant is likely to be tolerated. In summary, the available evidence is currently insufficient to determine the role of this variant in disease. Therefore, it has been classified as a Variant of Uncertain Significance.